The following is an entry in ClinVar:

NM_020937.4(FANCM):c.3446T>A (p.Leu1149His)

Gene: FANCM (FA complementation group M; plus strand). Cytogenetic location: 14q21.2.
Variant type: single nucleotide variant.
Coding change: c.3446T>A on transcript NM_020937.4 (MANE Select); coding-DNA position 3446, T replaced by A.
Protein change: p.Leu1149His; replaces leucine 1149 with histidine.
Molecular consequence: missense variant.
Genome position (GRCh38, 1-based): chr14:45,176,200, T>A. VCF-style: chr14-45176200-T-A. GRCh37 (hg19) VCF-style: chr14-45645403-T-A.
Other names: c.3368T>A, p.Leu1123His (NM_001308133.2); short protein forms L1123H, L1149H.
Identifiers: ClinVar variation 4619447 (VCV004619447.1).

ClinVar aggregate classification (germline): Uncertain significance (1 of 4 stars; one submission).

Conditions:
Inborn genetic diseases. Identifiers: MedGen C0950123, MeSH D030342.

gnomAD v4.1: 1 of 1,614,106 alleles (0.000062%); highest among the groups gnomAD compares: Non-Finnish European, 0.000085%; no homozygotes.

Submission:

Ambry Genetics
Classification: Uncertain significance for Inborn genetic diseases. Last evaluated: 2025-09-25. Review status: criteria provided, single submitter. Criteria: Ambry Variant Classification Scheme 2023. Collection method: clinical testing. Allele origin: germline.
Comment: The p.L1149H variant (also known as c.3446T>A), located in coding exon 14 of the FANCM gene, results from a T to A substitution at nucleotide position 3446. The leucine at codon 1149 is replaced by histidine, an amino acid with similar properties. This amino acid position is conserved. In addition, this alteration is predicted to be tolerated by in silico analysis. Based on the available evidence, the clinical significance of this variant remains unclear.